The following is an entry in ClinVar:

NM_005476.7(GNE):c.1934C>G (p.Ala645Gly)

Gene: GNE (glucosamine (UDP-N-acetyl)-2-epimerase/N-acetylmannosamine kinase; minus strand). Cytogenetic location: 9p13.3.
Variant type: single nucleotide variant.
Coding change: c.1934C>G on transcript NM_005476.7 (MANE Select); coding-DNA position 1934, C replaced by G.
Protein change: p.Ala645Gly; replaces alanine 645 with glycine.
Molecular consequence: missense variant.
Genome position (GRCh38, 1-based): chr9:36,217,600, G>C on the plus strand (C>G on the coding strand, the complement: GNE is on the minus strand). VCF-style: chr9-36217600-G-C. GRCh37 (hg19) VCF-style: chr9-36217597-G-C.
Other names: c.2027C>G, p.Ala676Gly (NM_001128227.3); c.1712C>G, p.Ala571Gly (NM_001190383.3); c.1604C>G, p.Ala535Gly (NM_001190384.3); c.1757C>G, p.Ala586Gly (NM_001190388.2, NM_001374798.1); c.1781C>G, p.Ala594Gly (NM_001374797.1); short protein forms A535G, A571G, A586G, A594G, A645G, A676G.
Identifiers: ClinVar variation 5003376 (VCV005003376.1).

ClinVar aggregate classification (germline): Uncertain significance (1 of 4 stars; one submission).

Conditions:
GNE myopathy (NM). Also called: INCLUSION BODY MYOPATHY, HEREDITARY, AUTOSOMAL RECESSIVE; INCLUSION BODY MYOPATHY 2, AUTOSOMAL RECESSIVE; MYOPATHY, DISTAL, WITH OR WITHOUT RIMMED VACUOLES; NONAKA DISTAL MYOPATHY; IBM 2; Inclusion body myopathy autosomal recessive. Identifiers: Orphanet 602, MedGen C1853926, MONDO:0011603, OMIM 605820.

gnomAD v4.1: 1 of 1,594,506 alleles (0.000063%); no homozygotes.

Submission:

Myriad Genetics, Inc.
Classification: Uncertain significance for GNE myopathy. Last evaluated: 2026-05-18. Review status: criteria provided, single submitter. Criteria: Myriad Autosomal Dominant, Autosomal Recessive and X-Linked Classification Criteria (2023). Collection method: clinical testing. Allele origin: unknown.
Comment: NM_001128227.2(GNE):c.2027C>G(A676G) is a missense variant classified as a variant of uncertain significance in the context of GNE myopathy. A676G has been observed in cases with relevant disease (PMID: 39539755). Relevant functional assessments of this variant are not available in the literature. A676G has not been observed in referenced population frequency databases. In summary, there is insufficient evidence to classify NM_001128227.2(GNE):c.2027C>G(A676G) as pathogenic or benign. Please note: this variant was assessed in the context of healthy population screening.

Literature cited by the submitters: PubMed 39539755.